The following is an entry in ClinVar:

NM_001005373.4(LRSAM1):c.513C>T (p.His171=)

Gene: LRSAM1 (leucine rich repeat and sterile alpha motif containing 1; plus strand). Cytogenetic location: 9q33.3.
Variant type: single nucleotide variant.
Coding change: c.513C>T on transcript NM_001005373.4 (MANE Select); coding-DNA position 513, C replaced by T.
Protein change: p.His171=; no amino-acid change (histidine 171 retained).
Molecular consequence: synonymous variant. On other transcripts: 5 prime UTR variant (1), non-coding transcript variant (2).
Genome position (GRCh38, 1-based): chr9:127,462,358, C>T. VCF-style: chr9-127462358-C-T. GRCh37 (hg19) VCF-style: chr9-130224637-C-T.
Other names: c.513C>T (NM_138361.4); c.513C>T, p.His171= (NM_001005374.4, NM_001190723.3, NM_001384142.1 and 2 more transcripts); c.-272C>T (NM_001384144.1).
Identifiers: ClinVar variation 540021 (VCV000540021.16), dbSNP rs757426906, ClinGen allele CA5246566.

ClinVar aggregate classification (germline): Likely benign. Review status: criteria provided, multiple submitters, no conflicts (2 of 4 stars). 3 submissions from 3 submitters: Likely benign (3). Last evaluated 2025-03-07.

Conditions:
Charcot-Marie-Tooth disease axonal type 2P. Also called: CHARCOT-MARIE-TOOTH DISEASE, AXONAL, TYPE 2G; CMT 2G; Charcot-Marie-Tooth Neuropathy Type 2G; CHARCOT-MARIE-TOOTH NEUROPATHY, TYPE 2P. Identifiers: Orphanet 300319, Orphanet 99941, MedGen C3280797, MONDO:0013753, OMIM 614436.
Inborn genetic diseases. Identifiers: MedGen C0950123, MeSH D030342.

Allele frequency attached by ClinVar (database versions not stated): ExAC 0.00001; gnomAD exomes 0.00001 and 0.00002.
gnomAD v4.1: 32 of 1,613,976 alleles (0.002%); highest among the groups gnomAD compares: East Asian, 0.0045%; no homozygotes.

Submissions (3):

Labcorp Genetics (formerly Invitae), Labcorp
Classification: Likely benign for Charcot-Marie-Tooth disease axonal type 2P. Last evaluated: 2025-03-07. Review status: criteria provided, single submitter. Criteria: Invitae Variant Classification Sherloc (09022015). Collection method: clinical testing. Allele origin: germline.

Ambry Genetics
Classification: Likely benign for Inborn genetic diseases. Last evaluated: 2019-07-11. Review status: criteria provided, single submitter. Criteria: Ambry Variant Classification Scheme 2023. Collection method: clinical testing. Allele origin: germline.

GeneDx
Classification: Likely benign. Last evaluated: 2018-04-02. Review status: criteria provided, single submitter. Criteria: GeneDx Variant Classification (06012015). Collection method: clinical testing. Allele origin: germline. Affected: yes.
Comment: This variant is considered likely benign or benign based on one or more of the following criteria: it is a conservative change, it occurs at a poorly conserved position in the protein, it is predicted to be benign by multiple in silico algorithms, and/or has population frequency not consistent with disease.